The following is an entry in ClinVar:

ClinVar aggregate classification (germline): Uncertain significance (1 of 4 stars; one submission).

Conditions:
Inborn genetic diseases. Identifiers: MedGen C0950123, MeSH D030342.

gnomAD v4.1: 2 of 1,612,962 alleles (0.00012%); highest among the groups gnomAD compares: East Asian, 0.0022%; no homozygotes.

Submission:

Ambry Genetics
Classification: Uncertain significance for Inborn genetic diseases. Last evaluated: 2026-08-29. Review status: criteria provided, single submitter. Criteria: Ambry Variant Classification Scheme 2023. Collection method: clinical testing. Allele origin: germline.
Comment: The p.K1426N variant (also known as c.4278G>T), located in coding exon 30 of the ANKRD26 gene, results from a G to T substitution at nucleotide position 4278. The lysine at codon 1426 is replaced by asparagine, an amino acid with similar properties. This amino acid position is conserved. In addition, this alteration is predicted to be tolerated by in silico analysis. Based on the available evidence, the clinical significance of this variant remains unclear.

NM_014915.3(ANKRD26):c.4278G>T (p.Lys1426Asn)

Gene: ANKRD26 (ankyrin repeat domain 26; minus strand). Cytogenetic location: 10p12.1.
Variant type: single nucleotide variant.
Coding change: c.4278G>T on transcript NM_014915.3 (MANE Select); coding-DNA position 4278, G replaced by T.
Protein change: p.Lys1426Asn; replaces lysine 1426 with asparagine.
Molecular consequence: missense variant.
Genome position (GRCh38, 1-based): chr10:27,017,730, C>A on the plus strand (G>T on the coding strand, the complement: ANKRD26 is on the minus strand). VCF-style: chr10-27017730-C-A. GRCh37 (hg19) VCF-style: chr10-27306659-C-A.
Other names: c.4275G>T, p.Lys1425Asn (NM_001256053.2); short protein forms K1425N, K1426N.
Identifiers: ClinVar variation 5023695 (VCV005023695.1).